The following is an entry in ClinVar:

ClinVar aggregate classification (germline): Uncertain significance (1 of 4 stars; one submission).

Submission:

Labcorp Genetics (formerly Invitae), Labcorp
Classification: Uncertain significance. Last evaluated: 2021-09-05. Review status: criteria provided, single submitter. Criteria: Invitae Variant Classification Sherloc (09022015). Collection method: clinical testing. Allele origin: germline.
Comment: In summary, the available evidence is currently insufficient to determine the role of this variant in disease. Therefore, it has been classified as a Variant of Uncertain Significance. Algorithms developed to predict the effect of missense changes on protein structure and function (SIFT, PolyPhen-2, Align-GVGD) all suggest that this variant is likely to be tolerated. This variant has not been reported in the literature in individuals affected with TOP2B-related conditions. This variant is not present in population databases (ExAC no frequency). This sequence change replaces threonine with isoleucine at codon 1570 of the TOP2B protein (p.Thr1570Ile). The threonine residue is weakly conserved and there is a moderate physicochemical difference between threonine and isoleucine.

NM_001330700.2(TOP2B):c.4724C>T (p.Thr1575Ile)

Gene: TOP2B (DNA topoisomerase II beta; minus strand). Cytogenetic location: 3p24.2.
Variant type: single nucleotide variant.
Coding change: c.4724C>T on transcript NM_001330700.2 (MANE Select); coding-DNA position 4724, C replaced by T.
Protein change: p.Thr1575Ile; replaces threonine 1575 with isoleucine.
Molecular consequence: missense variant.
Genome position (GRCh38, 1-based): chr3:25,598,464, G>A on the plus strand (C>T on the coding strand, the complement: TOP2B is on the minus strand). VCF-style: chr3-25598464-G-A. GRCh37 (hg19) VCF-style: chr3-25639955-G-A.
Other names: c.4709C>T, p.Thr1570Ile (NM_001068.3); short protein forms T1570I, T1575I.
Identifiers: ClinVar variation 1522310 (VCV001522310.6), dbSNP rs1701988034, ClinGen allele CA351890177.